The following is an entry in ClinVar:

ClinVar aggregate classification (germline): Benign (1 of 4 stars; one submission).

Allele frequency attached by ClinVar (database versions not stated): 1000 Genomes Project 30x 0.07324; 1000 Genomes Project 0.07468; TOPMed 0.07477; gnomAD 0.07576 and 0.07578.
gnomAD v4.1: 11,663 of 152,260 alleles (7.7%); highest among the groups gnomAD compares: East Asian, 12%; 513 homozygotes.

Submission:

GeneDx
Classification: Benign. Last evaluated: 2018-06-14. Review status: criteria provided, single submitter. Criteria: GeneDx Variant Classification (06012015). Collection method: clinical testing. Allele origin: germline. Affected: yes.
Comment: This variant is considered likely benign or benign based on one or more of the following criteria: it is a conservative change, it occurs at a poorly conserved position in the protein, it is predicted to be benign by multiple in silico algorithms, and/or has population frequency not consistent with disease.

NM_020778.5(ALPK3):c.4500-201A>G

Gene: ALPK3 (alpha kinase 3; plus strand). Cytogenetic location: 15q25.3.
Variant type: single nucleotide variant.
Coding change: c.4500-201A>G on transcript NM_020778.5 (MANE Select); 201 bases into the intron before coding-DNA position 4500, A replaced by G.
Molecular consequence: intron variant.
Genome position (GRCh38, 1-based): chr15:84,864,241, A>G. VCF-style: chr15-84864241-A-G. GRCh37 (hg19) VCF-style: chr15-85407472-A-G.
Identifiers: ClinVar variation 678449 (VCV000678449.1), dbSNP rs77303431, ClinGen allele CA16511449.
Genomic context (GRCh38, chr15:84,864,241, plus strand): 5'-ACAGTCTGCCTATGCCCATAGCAGGGTTTGGTTCTAATCCCACTGACCAAGAGAATGGAC[A>G]GGACTCTGAAGCCAAAAATATCCATTTCCTTTCCCAAACTCAGGGTGGAGCTGCTTTCCT-3'